The following is an entry in ClinVar:

NM_004260.4(RECQL4):c.1918C>A (p.Leu640Ile)

Gene: RECQL4 (RecQ like helicase 4; minus strand). Cytogenetic location: 8q24.3.
Variant type: single nucleotide variant.
Coding change: c.1918C>A on transcript NM_004260.4 (MANE Select); coding-DNA position 1918, C replaced by A.
Protein change: p.Leu640Ile; replaces leucine 640 with isoleucine.
Molecular consequence: missense variant. On other transcripts: non-coding transcript variant (3).
Genome position (GRCh38, 1-based): chr8:144,514,068, G>T on the plus strand (C>A on the coding strand, the complement: RECQL4 is on the minus strand). VCF-style: chr8-144514068-G-T. GRCh37 (hg19) VCF-style: chr8-145739452-G-T.
Other names: c.1822C>A, p.Leu608Ile (NM_001413017.1, NM_001413020.1); c.1918C>A, p.Leu640Ile (NM_001413018.1, NM_001413019.1, NM_001413036.1); c.847C>A, p.Leu283Ile (NM_001413021.1, NM_001413022.1, NM_001413023.1 and 6 more transcripts); c.1789C>A, p.Leu597Ile (NM_001413025.1); c.781C>A, p.Leu261Ile (NM_001413027.1, NM_001413030.1, NM_001413032.1 and 1 more transcripts); c.1567C>A, p.Leu523Ile (NM_001413029.1); c.649C>A, p.Leu217Ile (NM_001413031.1); c.1786C>A, p.Leu596Ile (NM_001413033.1); and 4 more; short protein forms L151I, L523I, L630I, L261I, L608I, L217I, L596I, L597I.
Identifiers: ClinVar variation 3944250 (VCV003944250.1).
Genomic context (GRCh38, chr8:144,514,068, plus strand): 5'-CAGCCACAGCCAGGTGCTGTGCCACGTCACTGGCAGTGCGGCGTGTGGCTGTGGCTGTGA[G>T]GCCCAGGAAGCAGTGCACGCCCATGCGCTCCCGAAGCACCTGCACCAGAGGCGGCAGTGG-3'
Protein context (NP_004251.4, residues 630-650): ERMGVHCFLG[Leu640Ile]TATATRRTAS

ClinVar aggregate classification (germline): Uncertain significance (1 of 4 stars; one submission).

Conditions:
Inborn genetic diseases. Identifiers: MedGen C0950123, MeSH D030342.

Submission:

Ambry Genetics
Classification: Uncertain significance for Inborn genetic diseases. Last evaluated: 2025-03-25. Review status: criteria provided, single submitter. Criteria: Ambry Variant Classification Scheme 2023. Collection method: clinical testing. Allele origin: germline.
Comment: The p.L640I variant (also known as c.1918C>A), located in coding exon 12 of the RECQL4 gene, results from a C to A substitution at nucleotide position 1918. The leucine at codon 640 is replaced by isoleucine, an amino acid with highly similar properties. This amino acid position is conserved. In addition, the in silico prediction for this alteration is inconclusive. Based on the available evidence, the clinical significance of this variant remains unclear.